The following is an entry in ClinVar:

ClinVar aggregate classification (germline): Uncertain significance (1 of 4 stars; one submission).

Conditions:
CHARGE syndrome (CHARGE). Also called: Hittner Hirsch Kreh syndrome; CHARGE ASSOCIATION--COLOBOMA, HEART ANOMALY, CHOANAL ATRESIA, RETARDATION, GENITAL AND EAR ANOMALIES; Coloboma, heart anomaly, choanal atresia, retardation, genital and ear anomalies; CHARGE association; Hall-Hittner syndrome. Identifiers: Orphanet 138, MedGen C0265354, MONDO:0008965.

Submission:

Labcorp Genetics (formerly Invitae), Labcorp
Classification: Uncertain significance for CHARGE syndrome. Last evaluated: 2022-06-26. Review status: criteria provided, single submitter. Criteria: Invitae Variant Classification Sherloc (09022015). Collection method: clinical testing. Allele origin: germline.
Comment: In summary, the available evidence is currently insufficient to determine the role of this variant in disease. Therefore, it has been classified as a Variant of Uncertain Significance. Algorithms developed to predict the effect of missense changes on protein structure and function are either unavailable or do not agree on the potential impact of this missense change (SIFT: "Not Available"; PolyPhen-2: "Benign"; Align-GVGD: "Not Available"). This variant has not been reported in the literature in individuals affected with CHD7-related conditions. This variant is present in population databases (no rsID available, gnomAD 0.08%). This sequence change replaces arginine, which is basic and polar, with isoleucine, which is neutral and non-polar, at codon 2413 of the CHD7 protein (p.Arg2413Ile).

NM_017780.4(CHD7):c.7238_7239delinsTT (p.Arg2413Ile)

Gene: CHD7 (chromodomain helicase DNA binding protein 7; plus strand). Cytogenetic location: 8q12.2.
Variant type: Indel.
Coding change: c.7238_7239delinsTT on transcript NM_017780.4 (MANE Select); coding-DNA positions 7238 to 7239, GA replaced by TT.
Protein change: p.Arg2413Ile; replaces arginine 2413 with isoleucine.
Molecular consequence: missense variant. On other transcripts: intron variant (1).
Genome position (GRCh38, 1-based): chr8:60,856,518-60,856,519, GA replaced by TT. VCF-style: chr8-60856518-GA-TT. GRCh37 (hg19) VCF-style: chr8-61769077-GA-TT.
Other names: c.1717-5711_1717-5710delinsTT (NM_001316690.1); short protein forms R2413I.
Identifiers: ClinVar variation 2147748 (VCV002147748.4), dbSNP rs2488072943, ClinGen allele CA2580078881.